The following is an entry in ClinVar:

NM_006393.3(NEBL):c.1008+5A>T

Gene: NEBL (nebulette; minus strand). Cytogenetic location: 10p12.31.
Variant type: single nucleotide variant.
Coding change: c.1008+5A>T on transcript NM_006393.3 (MANE Select); 5 bases into the intron after coding-DNA position 1008, A replaced by T.
Molecular consequence: intron variant.
Genome position (GRCh38, 1-based): chr10:20,852,540, T>A on the plus strand (A>T on the coding strand, the complement: NEBL is on the minus strand). VCF-style: chr10-20852540-T-A. GRCh37 (hg19) VCF-style: chr10-21141469-T-A.
Other names: c.250-39600A>T (NM_001377326.1, NM_001377327.1, NM_001377328.1); c.358-39600A>T (NM_213569.2, NM_001173484.2, NM_001377322.1); c.301-39600A>T (NM_001377324.1); c.292-39600A>T (NM_001377325.1); c.310-39600A>T (NM_001377323.1).
Identifiers: ClinVar variation 2867228 (VCV002867228.3), dbSNP rs703089, ClinGen allele CA5433019.

ClinVar aggregate classification (germline): Uncertain significance (1 of 4 stars; one submission).

Conditions:
Primary dilated cardiomyopathy (DCM). Also called: Dilated Cardiomyopathy. Identifiers: Orphanet 217604, MedGen C0007193, MeSH D002311, MONDO:0005021, HP:0001644. Inheritance: Various modes of inheritance.

Submission:

Labcorp Genetics (formerly Invitae), Labcorp
Classification: Uncertain significance for Primary dilated cardiomyopathy. Last evaluated: 2025-05-23. Review status: criteria provided, single submitter. Criteria: Invitae Variant Classification Sherloc (09022015). Collection method: clinical testing. Allele origin: germline.
Comment: This sequence change falls in intron 10 of the NEBL gene. It does not directly change the encoded amino acid sequence of the NEBL protein. It affects a nucleotide within the consensus splice site. This variant is present in population databases (rs703089, gnomAD 0.002%). This variant has not been reported in the literature in individuals affected with NEBL-related conditions. ClinVar contains an entry for this variant (Variation ID: 2867228). Variants that disrupt the consensus splice site are a relatively common cause of aberrant splicing (PMID: 17576681, 9536098). Algorithms developed to predict the effect of sequence changes on RNA splicing suggest that this variant is not likely to affect RNA splicing. In summary, the available evidence is currently insufficient to determine the role of this variant in disease. Therefore, it has been classified as a Variant of Uncertain Significance.

Literature cited by the submitters: PubMed 17576681; PubMed 9536098.